The following is an entry in ClinVar:

ClinVar aggregate classification (germline): Uncertain significance (1 of 4 stars; one submission).

Conditions:
Dyskeratosis congenita, autosomal dominant 6 (DKCA6). Identifiers: Orphanet 3322, MedGen C4225284, MONDO:0014690, OMIM 616553.

Allele frequency attached by ClinVar (database versions not stated): gnomAD 0.00001; TOPMed 0.00001.

Submission:

Labcorp Genetics (formerly Invitae), Labcorp
Classification: Uncertain significance for Dyskeratosis congenita, autosomal dominant 6. Last evaluated: 2022-12-29. Review status: criteria provided, single submitter. Criteria: Invitae Variant Classification Sherloc (09022015). Collection method: clinical testing. Allele origin: germline.
Comment: In summary, the available evidence is currently insufficient to determine the role of this variant in disease. Therefore, it has been classified as a Variant of Uncertain Significance. Algorithms developed to predict the effect of missense changes on protein structure and function are either unavailable or do not agree on the potential impact of this missense change (SIFT: "Deleterious"; PolyPhen-2: "Possibly Damaging"; Align-GVGD: "Class C0"). This variant has not been reported in the literature in individuals affected with ACD-related conditions. This variant is not present in population databases (gnomAD no frequency). This sequence change replaces alanine, which is neutral and non-polar, with threonine, which is neutral and polar, at codon 40 of the ACD protein (p.Ala40Thr).

NC_000016.10:g.67660361C>T

Genes: ACD (ACD shelterin complex subunit and telomerase recruitment factor; minus strand), LOC130059224 (ATAC-STARR-seq lymphoblastoid silent region 7617; plus strand). Cytogenetic location: 16q22.1.
Variant type: single nucleotide variant.
Genome position: GRCh38 VCF-style: chr16-67660361-C-T. GRCh37 (hg19) VCF-style: chr16-67694264-C-T.
Identifiers: ClinVar variation 2886258 (VCV002886258.3), dbSNP rs1399432151, ClinGen allele CA396359718.